The following is an entry in ClinVar:

ClinVar aggregate classification (germline): Uncertain significance. Review status: criteria provided, multiple submitters, no conflicts (2 of 4 stars). 2 submissions from 2 submitters: Uncertain significance (2). Last evaluated 2023-12-26.

Conditions:
Hereditary cancer-predisposing syndrome. Also called: Hereditary Cancer Syndrome; Hereditary neoplastic syndrome; Tumor predisposition; Neoplastic Syndromes, Hereditary. Identifiers: Orphanet 140162, MedGen C0027672, MeSH D009386, MONDO:0015356.
Oligodontia-cancer predisposition syndrome. Also called: TOOTH AGENESIS-COLORECTAL CANCER SYNDROME. Identifiers: Orphanet 300576, MedGen C1837750, MONDO:0012075, OMIM 608615. Disease mechanism: loss of function.

Submissions (2):

Labcorp Genetics (formerly Invitae), Labcorp
Classification: Uncertain significance for Oligodontia-cancer predisposition syndrome. Last evaluated: 2023-12-26. Review status: criteria provided, single submitter. Criteria: Invitae Variant Classification Sherloc (09022015). Collection method: clinical testing. Allele origin: germline.
Comment: This sequence change replaces leucine, which is neutral and non-polar, with proline, which is neutral and non-polar, at codon 753 of the AXIN2 protein (p.Leu753Pro). This variant is not present in population databases (gnomAD no frequency). This variant has not been reported in the literature in individuals affected with AXIN2-related conditions. ClinVar contains an entry for this variant (Variation ID: 1788553). Advanced modeling of protein sequence and biophysical properties (such as structural, functional, and spatial information, amino acid conservation, physicochemical variation, residue mobility, and thermodynamic stability) performed at Invitae indicates that this missense variant is not expected to disrupt AXIN2 protein function with a negative predictive value of 80%. In summary, the available evidence is currently insufficient to determine the role of this variant in disease. Therefore, it has been classified as a Variant of Uncertain Significance.

Ambry Genetics
Classification: Uncertain significance for Hereditary cancer-predisposing syndrome. Last evaluated: 2019-10-30. Review status: criteria provided, single submitter. Criteria: Ambry Variant Classification Scheme 2023. Collection method: clinical testing. Allele origin: germline.
Comment: The p.L753P variant (also known as c.2258T>C), located in coding exon 9 of the AXIN2 gene, results from a T to C substitution at nucleotide position 2258. The leucine at codon 753 is replaced by proline, an amino acid with similar properties. This amino acid position is not well conserved in available vertebrate species. In addition, this alteration is predicted to be tolerated by in silico analysis. Since supporting evidence is limited at this time, the clinical significance of this alteration remains unclear.

NM_004655.4(AXIN2):c.2258T>C (p.Leu753Pro)

Gene: AXIN2 (axin 2; minus strand). Cytogenetic location: 17q24.1.
Variant type: single nucleotide variant.
Coding change: c.2258T>C on transcript NM_004655.4 (MANE Select); coding-DNA position 2258, T replaced by C.
Protein change: p.Leu753Pro; replaces leucine 753 with proline.
Molecular consequence: missense variant.
Genome position (GRCh38, 1-based): chr17:65,534,059, A>G on the plus strand (T>C on the coding strand, the complement: AXIN2 is on the minus strand). VCF-style: chr17-65534059-A-G. GRCh37 (hg19) VCF-style: chr17-63530177-A-G.
Other names: c.2063T>C, p.Leu688Pro (NM_001363813.1); short protein forms L688P, L753P.
Identifiers: ClinVar variation 1788553 (VCV001788553.5), dbSNP rs768352721, ClinGen allele CA400675636.
Genomic context (GRCh38, chr17:65,534,059, plus strand): 5'-TCCCCACAGAAAAAGTAAGTGACAACCAACTCACTGGCCTGGAGCGCGTGGACACCTGCC[A>G]GTTTCTTTGGCTCTTTGTGACTGAAAATAAGATGGAATGGAACAAGTTTAGCATTTTAAA-3'
Protein context (NP_004646.3, residues 743-763): APEDHKEPKK[Leu753Pro]AGVHALQASE